The following is an entry in ClinVar:

NM_003036.4(SKI):c.1411G>A (p.Val471Met)

Gene: SKI (SKI proto-oncogene; plus strand). Cytogenetic location: 1p36.32.
Variant type: single nucleotide variant.
Coding change: c.1411G>A on transcript NM_003036.4 (MANE Select); coding-DNA position 1411, G replaced by A.
Protein change: p.Val471Met; replaces valine 471 with methionine.
Molecular consequence: missense variant.
Genome position (GRCh38, 1-based): chr1:2,304,039, G>A. VCF-style: chr1-2304039-G-A. GRCh37 (hg19) VCF-style: chr1-2235478-G-A.
Other names: short protein forms V471M.
Identifiers: ClinVar variation 1001740 (VCV001001740.12), dbSNP rs745717087, ClinGen allele CA16896299.

ClinVar aggregate classification (germline): Uncertain significance. Review status: criteria provided, multiple submitters, no conflicts (2 of 4 stars). 2 submissions from 2 submitters: Uncertain significance (2). Last evaluated 2026-01-01.

Conditions:
Shprintzen-Goldberg syndrome (SGS). Also called: Marfanoid disorder with craniosynostosis type 1; Marfanoid craniosynostosis syndrome; Shprintzen-Goldberg marfanoid syndrome; CRANIOSYNOSTOSIS WITH ARACHNODACTYLY AND ABDOMINAL HERNIAS; SHPRINTZEN-GOLDBERG CRANIOSYNOSTOSIS SYNDROME. Identifiers: Orphanet 2462, MedGen C1321551, MONDO:0008426, OMIM 182212.

gnomAD v4.1: 15 of 1,612,510 alleles (0.00093%); highest among the groups gnomAD compares: East Asian, 0.0045%; no homozygotes.

Submissions (2):

CeGaT Center for Human Genetics Tuebingen
Classification: Uncertain significance. Last evaluated: 2026-01-01. Review status: criteria provided, single submitter. Criteria: CeGaT Center For Human Genetics Tuebingen Variant Classification Criteria Version 2. Collection method: clinical testing. Allele origin: germline. Affected: yes. Observed: 1 variant allele.

Labcorp Genetics (formerly Invitae), Labcorp
Classification: Uncertain significance for Shprintzen-Goldberg syndrome. Last evaluated: 2025-08-12. Review status: criteria provided, single submitter. Criteria: Invitae Variant Classification Sherloc (09022015). Collection method: clinical testing. Allele origin: germline.
Comment: This sequence change replaces valine, which is neutral and non-polar, with methionine, which is neutral and non-polar, at codon 471 of the SKI protein (p.Val471Met). The frequency data for this variant in the population databases is considered unreliable, as metrics indicate poor data quality at this position in the gnomAD database. This variant has not been reported in the literature in individuals affected with SKI-related conditions. ClinVar contains an entry for this variant (Variation ID: 1001740). Invitae Evidence Modeling of protein sequence and biophysical properties (such as structural, functional, and spatial information, amino acid conservation, physicochemical variation, residue mobility, and thermodynamic stability) indicates that this missense variant is not expected to disrupt SKI protein function with a negative predictive value of 95%. In summary, the available evidence is currently insufficient to determine the role of this variant in disease. Therefore, it has been classified as a Variant of Uncertain Significance.